The following is an entry in ClinVar:

ClinVar aggregate classification (germline): Uncertain significance (1 of 4 stars; one submission).

Allele frequency attached by ClinVar (database versions not stated): gnomAD exomes below 0.00001.
gnomAD v4.1: 1 of 1,501,342 alleles (0.000067%); highest among the groups gnomAD compares: Non-Finnish European, 0.000088%; no homozygotes.

Submission:

Labcorp Genetics (formerly Invitae), Labcorp
Classification: Uncertain significance. Last evaluated: 2022-09-23. Review status: criteria provided, single submitter. Criteria: Invitae Variant Classification Sherloc (09022015). Collection method: clinical testing. Allele origin: germline.
Comment: This sequence change replaces glycine, which is neutral and non-polar, with aspartic acid, which is acidic and polar, at codon 28 of the TK2 protein (p.Gly28Asp). This variant is not present in population databases (gnomAD no frequency). This variant has not been reported in the literature in individuals affected with TK2-related conditions. Advanced modeling of protein sequence and biophysical properties (such as structural, functional, and spatial information, amino acid conservation, physicochemical variation, residue mobility, and thermodynamic stability) performed at Invitae indicates that this missense variant is not expected to disrupt TK2 protein function. In summary, the available evidence is currently insufficient to determine the role of this variant in disease. Therefore, it has been classified as a Variant of Uncertain Significance.

NM_004614.5(TK2):c.83G>A (p.Gly28Asp)

Genes: TK2 (thymidine kinase 2; minus strand), LOC130059156 (ATAC-STARR-seq lymphoblastoid silent region 7560; plus strand). Cytogenetic location: 16q21.
Variant type: single nucleotide variant.
Coding change: c.83G>A on transcript NM_004614.5 (MANE Select); coding-DNA position 83, G replaced by A.
Protein change: p.Gly28Asp; replaces glycine 28 with aspartic acid.
Molecular consequence: missense variant. On other transcripts: 5 prime UTR variant (2), non-coding transcript variant (1), intron variant (2).
Genome position (GRCh38, 1-based): chr16:66,549,979, C>T on the plus strand (G>A on the coding strand, the complement: TK2 is on the minus strand). VCF-style: chr16-66549979-C-T. GRCh37 (hg19) VCF-style: chr16-66583882-C-T.
Other names: c.83G>A, p.Gly28Asp (NM_001172644.2, NM_001172645.2); c.-160G>A (NM_001271934.2); c.-570G>A (NM_001272050.2); c.31+274G>A (NM_001271935.1, NM_001172643.1); short protein forms G28D.
Identifiers: ClinVar variation 2037193 (VCV002037193.1), dbSNP rs1175537448, ClinGen allele CA396193606.